The following is an entry in ClinVar:

ClinVar aggregate classification (germline): Uncertain significance. Review status: criteria provided, multiple submitters, no conflicts (2 of 4 stars). 5 submissions from 4 submitters: Uncertain significance (5). Last evaluated 2025-09-28.

Conditions:
Seckel syndrome 1 (SCKL1). Also called: MICROCEPHALIC PRIMORDIAL DWARFISM I. Identifiers: Orphanet 808, MedGen C4551474, MONDO:0008869, OMIM 210600.
Inborn genetic diseases. Identifiers: MedGen C0950123, MeSH D030342.
Familial cutaneous telangiectasia and oropharyngeal predisposition cancer syndrome. Identifiers: Orphanet 313846, MedGen C3281203, MONDO:0013806, OMIM 614564.

Allele frequency attached by ClinVar (database versions not stated): TOPMed below 0.00001; ExAC 0.00001; gnomAD exomes 0.00001.
gnomAD v4.1: 8 of 1,612,798 alleles (0.0005%); highest among the groups gnomAD compares: Non-Finnish European, 0.00068%; no homozygotes.

Submissions (5):

Ambry Genetics
Classification: Uncertain significance for Inborn genetic diseases. Last evaluated: 2025-09-28. Review status: criteria provided, single submitter. Criteria: Ambry Variant Classification Scheme 2023. Collection method: clinical testing. Allele origin: germline.

GeneDx
Classification: Uncertain significance. Last evaluated: 2023-07-23. Review status: criteria provided, single submitter. Criteria: GeneDx Variant Classification Process June 2021. Collection method: clinical testing. Allele origin: germline. Affected: yes.
Comment: In silico analysis supports that this missense variant does not alter protein structure/function; Has not been previously published as pathogenic or benign to our knowledge

Genome-Nilou Lab
Classification: Uncertain significance for Seckel syndrome 1. Last evaluated: 2023-02-08. Review status: criteria provided, single submitter. Criteria: ACMG Guidelines, 2015. Collection method: clinical testing. Allele origin: germline.

Genome-Nilou Lab
Classification: Uncertain significance for Familial cutaneous telangiectasia and oropharyngeal predisposition cancer syndrome. Last evaluated: 2023-02-08. Review status: criteria provided, single submitter. Criteria: ACMG Guidelines, 2015. Collection method: clinical testing. Allele origin: germline.

Labcorp Genetics (formerly Invitae), Labcorp
Classification: Uncertain significance. Last evaluated: 2021-09-09. Review status: criteria provided, single submitter. Criteria: Invitae Variant Classification Sherloc (09022015). Collection method: clinical testing. Allele origin: germline.
Comment: This sequence change replaces aspartic acid with histidine at codon 604 of the ATR protein (p.Asp604His). The aspartic acid residue is moderately conserved and there is a moderate physicochemical difference between aspartic acid and histidine. This variant is present in population databases (rs750939829, ExAC 0.001%). This variant has not been reported in the literature in individuals affected with ATR-related conditions. Algorithms developed to predict the effect of missense changes on protein structure and function (SIFT, PolyPhen-2, Align-GVGD) all suggest that this variant is likely to be tolerated. In summary, the available evidence is currently insufficient to determine the role of this variant in disease. Therefore, it has been classified as a Variant of Uncertain Significance.

NM_001184.4(ATR):c.1810G>C (p.Asp604His)

Gene: ATR (ATR checkpoint kinase; minus strand). Cytogenetic location: 3q23.
Variant type: single nucleotide variant.
Coding change: c.1810G>C on transcript NM_001184.4 (MANE Select); coding-DNA position 1810, G replaced by C.
Protein change: p.Asp604His; replaces aspartic acid 604 with histidine.
Molecular consequence: missense variant.
Genome position (GRCh38, 1-based): chr3:142,558,699, C>G on the plus strand (G>C on the coding strand, the complement: ATR is on the minus strand). VCF-style: chr3-142558699-C-G. GRCh37 (hg19) VCF-style: chr3-142277541-C-G.
Other names: c.1618G>C, p.Asp540His (NM_001354579.2); short protein forms D604H, D540H.
Identifiers: ClinVar variation 1421800 (VCV001421800.10), dbSNP rs750939829, ClinGen allele CA2650512.